The following is an entry in ClinVar:

NM_130384.3(ATRIP):c.2302T>C (p.Cys768Arg)

Genes: ATRIP (ATR interacting protein; plus strand), ATRIP-TREX1 (ATRIP-TREX1 readthrough; plus strand). Cytogenetic location: 3p21.31.
Variant type: single nucleotide variant.
Coding change: c.2302T>C on transcript NM_130384.3 (MANE Select); coding-DNA position 2302, T replaced by C.
Protein change: p.Cys768Arg; replaces cysteine 768 with arginine.
Molecular consequence: missense variant. On other transcripts: non-coding transcript variant (1).
Genome position (GRCh38, 1-based): chr3:48,465,077, T>C. VCF-style: chr3-48465077-T-C. GRCh37 (hg19) VCF-style: chr3-48506476-T-C.
Other names: c.1921T>C, p.Cys641Arg (NM_001271022.2); c.2023T>C, p.Cys675Arg (NM_001271023.2); c.2221T>C, p.Cys741Arg (NM_032166.4); short protein forms C675R, C768R, C641R, C741R.
Identifiers: ClinVar variation 3809735 (VCV003809735.1).
Genomic context (GRCh38, chr3:48,465,077, plus strand): 5'-TTTGACCAGGTGATGCCGGGGGTCAGCATGCTCATCCGAGGGCTTCCTGATGTGACGGAC[T>C]GTGAAGGTAAGCCTGCCAGAGGCCATCCTGCCCAGCCCCCATGGCTTCTTCCAGAGGTTC-3'
Protein context (NP_569055.1, residues 758-778): LIRGLPDVTD[Cys768Arg]EEAALDDLCA

ClinVar aggregate classification (germline): Uncertain significance (1 of 4 stars; one submission).

Submission:

Ambry Genetics
Classification: Uncertain significance. Last evaluated: 2025-01-13. Review status: criteria provided, single submitter. Criteria: Ambry Variant Classification Scheme 2023. Collection method: clinical testing. Allele origin: germline.
Comment: The p.C768R variant (also known as c.2302T>C), located in coding exon 12 of the ATRIP gene, results from a T to C substitution at nucleotide position 2302. The cysteine at codon 768 is replaced by arginine, an amino acid with highly dissimilar properties. This amino acid position is conserved. In addition, the in silico prediction for this alteration is inconclusive. Based on the available evidence, the clinical significance of this variant remains unclear.